The following is an entry in ClinVar:

NM_020708.5(SLC12A5):c.1093A>G (p.Lys365Glu)

Gene: SLC12A5 (solute carrier family 12 member 5; plus strand). Cytogenetic location: 20q13.12.
Variant type: single nucleotide variant.
Coding change: c.1093A>G on transcript NM_020708.5 (MANE Select); coding-DNA position 1093, A replaced by G.
Protein change: p.Lys365Glu; replaces lysine 365 with glutamic acid.
Molecular consequence: missense variant.
Genome position (GRCh38, 1-based): chr20:46,043,179, A>G. VCF-style: chr20-46043179-A-G. GRCh37 (hg19) VCF-style: chr20-44671818-A-G.
Other names: c.1162A>G, p.Lys388Glu (NM_001134771.2); short protein forms K365E, K388E.
Identifiers: ClinVar variation 1018047 (VCV001018047.9), dbSNP rs1747278164, ClinGen allele CA409191589.

ClinVar aggregate classification (germline): Uncertain significance (1 of 4 stars; one submission).

Conditions:
Developmental and epileptic encephalopathy, 34 (DEE34). Also called: SLC12A5-Related Epilepsy of Infancy with Migrating Focal Seizures; Early infantile epileptic encephalopathy 34. Identifiers: Orphanet 293181, MedGen C4225257, MONDO:0014718, OMIM 616645.

Allele frequency attached by ClinVar (database versions not stated): TOPMed 0.00001.

Submission:

Labcorp Genetics (formerly Invitae), Labcorp
Classification: Uncertain significance for Developmental and epileptic encephalopathy, 34. Last evaluated: 2020-10-20. Review status: criteria provided, single submitter. Criteria: Invitae Variant Classification Sherloc (09022015). Collection method: clinical testing. Allele origin: germline.
Comment: This sequence change replaces lysine with glutamic acid at codon 365 of the SLC12A5 protein (p.Lys365Glu). The lysine residue is highly conserved and there is a small physicochemical difference between lysine and glutamic acid. This variant has not been reported in the literature in individuals with SLC12A5-related conditions. This variant is not present in population databases (ExAC no frequency). Advanced modeling of protein sequence and biophysical properties (such as structural, functional, and spatial information, amino acid conservation, physicochemical variation, residue mobility, and thermodynamic stability) performed at Invitae indicates that this missense variant is not expected to disrupt SLC12A5 protein function. In summary, the available evidence is currently insufficient to determine the role of this variant in disease. Therefore, it has been classified as a Variant of Uncertain Significance.